The following is an entry in ClinVar:

ClinVar aggregate classification (germline): Uncertain significance (1 of 4 stars; one submission).

Submission:

GeneDx
Classification: Uncertain significance. Last evaluated: 2025-02-04. Review status: criteria provided, single submitter. Criteria: GeneDx Variant Classification Process June 2021. Collection method: clinical testing. Allele origin: germline. Affected: yes.
Comment: Not observed at significant frequency in large population cohorts (gnomAD); In silico analysis supports that this missense variant has a deleterious effect on protein structure/function; Has not been previously published as pathogenic or benign to our knowledge; Reported using an alternate transcript of the gene

NM_001005361.3(DNM2):c.1223C>T (p.Ala408Val)

Gene: DNM2 (dynamin 2; plus strand). Cytogenetic location: 19p13.2.
Variant type: single nucleotide variant.
Coding change: c.1223C>T on transcript NM_001005361.3 (MANE Select); coding-DNA position 1223, C replaced by T.
Protein change: p.Ala408Val; replaces alanine 408 with valine.
Molecular consequence: missense variant. On other transcripts: intron variant (3).
Genome position (GRCh38, 1-based): chr19:10,797,406, C>T. VCF-style: chr19-10797406-C-T. GRCh37 (hg19) VCF-style: chr19-10908082-C-T.
Other names: c.1223C>T, p.Ala408Val (NM_001005362.3); c.1336-1080C>T (NM_001005360.3, NM_001190716.2, NM_004945.4); short protein forms A408V.
Identifiers: ClinVar variation 4072672 (VCV004072672.1).